The following is an entry in ClinVar:

ClinVar aggregate classification (germline): Uncertain significance (1 of 4 stars; one submission).

Conditions:
Dilated cardiomyopathy 1JJ (CMD1JJ). Identifiers: Orphanet 154, MedGen C3808935, MONDO:0014095, OMIM 615235.

Submission:

Labcorp Genetics (formerly Invitae), Labcorp
Classification: Uncertain significance for Dilated cardiomyopathy 1JJ. Last evaluated: 2021-01-08. Review status: criteria provided, single submitter. Criteria: Invitae Variant Classification Sherloc (09022015). Collection method: clinical testing. Allele origin: germline.
Comment: In summary, the available evidence is currently insufficient to determine the role of this variant in disease. Therefore, it has been classified as a Variant of Uncertain Significance. Algorithms developed to predict the effect of missense changes on protein structure and function are either unavailable or do not agree on the potential impact of this missense change (SIFT: "Deleterious"; PolyPhen-2: "Possibly Damaging"; Align-GVGD: "Class C0"). This variant has not been reported in the literature in individuals with LAMA4-related conditions. This variant is not present in population databases (ExAC no frequency). This sequence change replaces isoleucine with leucine at codon 558 of the LAMA4 protein (p.Ile558Leu). The isoleucine residue is highly conserved and there is a small physicochemical difference between isoleucine and leucine.

NM_001105206.3(LAMA4):c.1693A>T (p.Ile565Leu)

Gene: LAMA4 (laminin subunit alpha 4; minus strand). Cytogenetic location: 6q21.
Variant type: single nucleotide variant.
Coding change: c.1693A>T on transcript NM_001105206.3 (MANE Select); coding-DNA position 1693, A replaced by T.
Protein change: p.Ile565Leu; replaces isoleucine 565 with leucine.
Molecular consequence: missense variant.
Genome position (GRCh38, 1-based): chr6:112,158,856, T>A on the plus strand (A>T on the coding strand, the complement: LAMA4 is on the minus strand). VCF-style: chr6-112158856-T-A. GRCh37 (hg19) VCF-style: chr6-112480058-T-A.
Other names: c.1672A>T, p.Ile558Leu (NM_001105207.3, NM_002290.5); short protein forms I558L, I565L.
Identifiers: ClinVar variation 1435110 (VCV001435110.8), dbSNP rs2114797838, ClinGen allele CA365365869.